The following is an entry in ClinVar:

ClinVar aggregate classification (germline): Uncertain significance (1 of 4 stars; one submission).

Conditions:
Fanconi anemia (FA). Also called: Fanconi's anemia. Identifiers: Orphanet 84, MedGen C0015625, MeSH D005199, MONDO:0019391.

Allele frequency attached by ClinVar (database versions not stated): ExAC 0.00001; gnomAD exomes 0.00001; gnomAD 0.00007; TOPMed 0.00008.
gnomAD v4.1: 19 of 1,596,694 alleles (0.0012%); highest among the groups gnomAD compares: Admixed American, 0.022%; no homozygotes.

Submission:

Labcorp Genetics (formerly Invitae), Labcorp
Classification: Uncertain significance for Fanconi anemia. Last evaluated: 2022-10-09. Review status: criteria provided, single submitter. Criteria: Invitae Variant Classification Sherloc (09022015). Collection method: clinical testing. Allele origin: germline.
Comment: This sequence change replaces tyrosine, which is neutral and polar, with cysteine, which is neutral and slightly polar, at codon 836 of the FANCD2 protein (p.Tyr836Cys). This variant is present in population databases (rs754425975, gnomAD 0.009%). This variant has not been reported in the literature in individuals affected with FANCD2-related conditions. Advanced modeling of protein sequence and biophysical properties (such as structural, functional, and spatial information, amino acid conservation, physicochemical variation, residue mobility, and thermodynamic stability) performed at Invitae indicates that this missense variant is expected to disrupt FANCD2 protein function. In summary, the available evidence is currently insufficient to determine the role of this variant in disease. Therefore, it has been classified as a Variant of Uncertain Significance.

NM_001018115.3(FANCD2):c.2507A>G (p.Tyr836Cys)

Genes: FANCD2 (FA complementation group D2; plus strand), LOC107303338 (3p25 FANCD2 Alu-mediated recombination region; plus strand). Cytogenetic location: 3p25.3.
Variant type: single nucleotide variant.
Coding change: c.2507A>G on transcript NM_001018115.3 (MANE Select); coding-DNA position 2507, A replaced by G.
Protein change: p.Tyr836Cys; replaces tyrosine 836 with cysteine.
Molecular consequence: missense variant.
Genome position (GRCh38, 1-based): chr3:10,072,883, A>G. VCF-style: chr3-10072883-A-G. GRCh37 (hg19) VCF-style: chr3-10114567-A-G.
Other names: c.2507A>G, p.Tyr836Cys (NM_001319984.2, NM_001374254.1, NM_033084.6); c.2396A>G, p.Tyr799Cys (NM_001374253.1); short protein forms Y799C, Y836C.
Identifiers: ClinVar variation 2414530 (VCV002414530.3), dbSNP rs754425975, ClinGen allele CA2250113.